The following is an entry in ClinVar:

NM_001003694.2(BRPF1):c.2T>G (p.Met1Arg)

Gene: BRPF1 (bromodomain and PHD finger containing 1; plus strand). Cytogenetic location: 3p25.3.
Variant type: single nucleotide variant.
Coding change: c.2T>G on transcript NM_001003694.2 (MANE Select); coding-DNA position 2, T replaced by G.
Protein change: p.Met1Arg; changes the start codon (methionine 1).
Molecular consequence: missense variant, initiator codon variant. On other transcripts: non-coding transcript variant (1).
Genome position (GRCh38, 1-based): chr3:9,734,142, T>G. VCF-style: chr3-9734142-T-G. GRCh37 (hg19) VCF-style: chr3-9775826-T-G.
Other names: c.2T>G, p.Met1Arg (NM_001319049.2, NM_001319050.2, NM_004634.3); short protein forms M1R.
Identifiers: ClinVar variation 1064563 (VCV001064563.2), dbSNP rs2125489641, ClinGen allele CA351678675.

ClinVar aggregate classification (germline): Likely pathogenic (1 of 4 stars; one submission).

Conditions:
Intellectual developmental disorder with dysmorphic facies and ptosis (IDDDFP). Identifiers: Orphanet 698090, MedGen C4310617, MONDO:0015022, OMIM 617333.

Submission:

UNC Molecular Genetics  Laboratory, University of North Carolina at Chapel Hill
Classification: Likely pathogenic for Intellectual developmental disorder with dysmorphic facies and ptosis. Last evaluated: 2020-05-01. Review status: criteria provided, single submitter. Criteria: ACMG Guidelines, 2015. Collection method: research. Allele origin: paternal. Observed: 1 variant allele. Study: CSER_NCGENES.
Comment: The BRPF1 c.2T>G (p.Met1?) variant is rare and is not present in the gnomAD human population database. This variant changes the translation initiator methionine codon. It is not known whether protein translation is completely prevented or if an abnormal protein is produced using an alternate methionine. This variant has not been previously reported in association with autosomal dominant intellectual developmental disorder with dysmorphic facies and ptosis (IDDDFP) . However, another variant affecting the initiator methionine has been reported (ClinVar ID:489079). This variant is considered likely pathogenic.